The following is an entry in ClinVar:

ClinVar aggregate classification (germline): Uncertain significance (1 of 4 stars; one submission).

Conditions:
Myopathy, centronuclear, 2 (CNM2). Also called: MYOTUBULAR MYOPATHY, AUTOSOMAL RECESSIVE. Identifiers: Orphanet 169186, MedGen CN031787, MONDO:0009709, OMIM 255200.

Submission:

Labcorp Genetics (formerly Invitae), Labcorp
Classification: Uncertain significance for Myopathy, centronuclear, 2. Last evaluated: 2025-10-02. Review status: criteria provided, single submitter. Criteria: Invitae Variant Classification Sherloc (09022015). Collection method: clinical testing. Allele origin: germline.
Comment: This sequence change replaces asparagine, which is neutral and polar, with isoleucine, which is neutral and non-polar, at codon 199 of the BIN1 protein (p.Asn199Ile). This variant is not present in population databases (gnomAD no frequency). This variant has not been reported in the literature in individuals affected with BIN1-related conditions. ClinVar contains an entry for this variant (Variation ID: 1347518). An algorithm developed to predict the effect of missense changes on protein structure and function (PolyPhen-2) suggests that this variant is likely to be disruptive. In summary, the available evidence is currently insufficient to determine the role of this variant in disease. Therefore, it has been classified as a Variant of Uncertain Significance.

NM_139343.3(BIN1):c.596A>T (p.Asn199Ile)

Gene: BIN1 (bridging integrator 1; minus strand). Cytogenetic location: 2q14.3.
Variant type: single nucleotide variant.
Coding change: c.596A>T on transcript NM_139343.3 (MANE Select); coding-DNA position 596, A replaced by T.
Protein change: p.Asn199Ile; replaces asparagine 199 with isoleucine.
Molecular consequence: missense variant. On other transcripts: intron variant (10).
Genome position (GRCh38, 1-based): chr2:127,068,179, T>A on the plus strand (A>T on the coding strand, the complement: BIN1 is on the minus strand). VCF-style: chr2-127068179-T-A. GRCh37 (hg19) VCF-style: chr2-127825755-T-A.
Other names: c.596A>T, p.Asn199Ile (NM_001320633.2, NM_001320640.2, NM_139344.3 and 1 more transcripts); c.515A>T, p.Asn172Ile (NM_001320642.1); c.447+745A>T (NM_001320634.1); c.519+745A>T (NM_139351.3, NM_139350.3, NM_139349.3 and 6 more transcripts); short protein forms N172I, N199I.
Identifiers: ClinVar variation 1347518 (VCV001347518.8), dbSNP rs2105049284, ClinGen allele CA348367142.